The following is an entry in ClinVar:

NM_001353345.2(SETD1B):c.2199G>A (p.Pro733=)

Gene: SETD1B (SET domain containing 1B, histone lysine methyltransferase; plus strand). Cytogenetic location: 12q24.31.
Variant type: single nucleotide variant.
Coding change: c.2199G>A on transcript NM_001353345.2 (MANE Select); coding-DNA position 2199, G replaced by A.
Protein change: p.Pro733=; no amino-acid change (proline 733 retained).
Molecular consequence: synonymous variant.
Genome position (GRCh38, 1-based): chr12:121,814,414, G>A. VCF-style: chr12-121814414-G-A. GRCh37 (hg19) VCF-style: chr12-122252320-G-A.
Other names: NM_015048.1:c.2199G>A.
Identifiers: ClinVar variation 2643445 (VCV002643445.26), dbSNP rs763944606, ClinGen allele CA6838937.

ClinVar aggregate classification (germline): Likely benign. Review status: criteria provided, multiple submitters, no conflicts (2 of 4 stars). 3 submissions from 3 submitters: Likely benign (2). 1 of the submissions does not count toward it. Last evaluated 2026-08-01.

Conditions:
SETD1B-related disorder. Also called: SETD1B-related condition.

Allele frequency attached by ClinVar (database versions not stated): 1000 Genomes Project 30x 0.00109; TOPMed 0.00182; gnomAD 0.00188; ExAC 0.00348.
gnomAD v4.1: 3,300 of 1,388,390 alleles (0.24%); highest among the groups gnomAD compares: Non-Finnish European, 0.28%; 5 homozygotes.

Submissions (3):

CeGaT Center for Human Genetics Tuebingen
Classification: Likely benign. Last evaluated: 2026-08-01. Review status: criteria provided, single submitter. Criteria: CeGaT Center For Human Genetics Tuebingen Variant Classification Criteria Version 2. Collection method: clinical testing. Allele origin: germline. Affected: yes. Observed: 14 variant alleles.
Comment: SETD1B: BP4, BP7

Blueprint Genetics
Classification: Likely benign. Last evaluated: 2024-11-21. Review status: criteria provided, single submitter. Criteria: ACMG Guidelines, 2015. Collection method: clinical testing. Allele origin: germline.

PreventionGenetics, part of Exact Sciences
Classification: Benign for SETD1B-related condition. Last evaluated: 2020-02-24. Review status: no assertion criteria provided. Collection method: clinical testing. Allele origin: germline. Not counted in ClinVar's aggregate classification.
Comment: This variant is classified as benign based on ACMG/AMP sequence variant interpretation guidelines (Richards et al. 2015 PMID: 25741868, with internal and published modifications).